The following is an entry in ClinVar:

ClinVar aggregate classification (germline): Uncertain significance (1 of 4 stars; one submission).

Conditions:
Medulloblastoma (MDB). Also called: Medulloblastoma, somatic; MEDULLOBLASTOMA PREDISPOSITION SYNDROME. Identifiers: Orphanet 616, MedGen C0025149, MeSH D008527, MONDO:0007959, OMIM 155255, HP:0002885.
Gorlin syndrome. Also called: Basal cell nevus syndrome; Nevoid Basal Cell Carcinoma Syndrome. Identifiers: Orphanet 377, MedGen C0004779, MONDO:0007187.

Submission:

Labcorp Genetics (formerly Invitae), Labcorp
Classification: Uncertain significance for Gorlin syndrome; Medulloblastoma. Last evaluated: 2022-12-21. Review status: criteria provided, single submitter. Criteria: Invitae Variant Classification Sherloc (09022015). Collection method: clinical testing. Allele origin: germline.
Comment: This sequence change replaces serine, which is neutral and polar, with arginine, which is basic and polar, at codon 342 of the SUFU protein (p.Ser342Arg). This variant is not present in population databases (gnomAD no frequency). This variant has not been reported in the literature in individuals affected with SUFU-related conditions. Advanced modeling of protein sequence and biophysical properties (such as structural, functional, and spatial information, amino acid conservation, physicochemical variation, residue mobility, and thermodynamic stability) performed at Invitae indicates that this missense variant is not expected to disrupt SUFU protein function. In summary, the available evidence is currently insufficient to determine the role of this variant in disease. Therefore, it has been classified as a Variant of Uncertain Significance.

NM_016169.4(SUFU):c.1026C>A (p.Ser342Arg)

Gene: SUFU (SUFU negative regulator of hedgehog signaling; plus strand). Cytogenetic location: 10q24.32.
Variant type: single nucleotide variant.
Coding change: c.1026C>A on transcript NM_016169.4 (MANE Select); coding-DNA position 1026, C replaced by A.
Protein change: p.Ser342Arg; replaces serine 342 with arginine.
Molecular consequence: missense variant.
Genome position (GRCh38, 1-based): chr10:102,615,271, C>A. VCF-style: chr10-102615271-C-A. GRCh37 (hg19) VCF-style: chr10-104375028-C-A.
Other names: c.1026C>A, p.Ser342Arg (NM_001178133.2); short protein forms S342R.
Identifiers: ClinVar variation 2938251 (VCV002938251.3), dbSNP rs2135929744, ClinGen allele CA377913537.